The following is an entry in ClinVar:

NM_014727.3(KMT2B):c.1663C>A (p.Pro555Thr)

Gene: KMT2B (lysine methyltransferase 2B; plus strand). Cytogenetic location: 19q13.12.
Variant type: single nucleotide variant.
Coding change: c.1663C>A on transcript NM_014727.3 (MANE Select); coding-DNA position 1663, C replaced by A.
Protein change: p.Pro555Thr; replaces proline 555 with threonine.
Molecular consequence: missense variant.
Genome position (GRCh38, 1-based): chr19:35,721,010, C>A. VCF-style: chr19-35721010-C-A. GRCh37 (hg19) VCF-style: chr19-36211912-C-A.
Other names: short protein forms P555T.
Identifiers: ClinVar variation 4527403 (VCV004527403.1).
Genomic context (GRCh38, chr19:35,721,010, plus strand): 5'-CGCTCCTCCCGTGTCATCAAGACACCCCGGCGATTTATGGATGAAGACCCCCCCAAACCC[C>A]CAAAGGTGGAGGTCTCACCTGTCCTGCGACCTCCCATTACCACCTCCCCACCTGTTCCCC-3'
Protein context (NP_055542.1, residues 545-565): RFMDEDPPKP[Pro555Thr]KVEVSPVLRP

ClinVar aggregate classification (germline): Uncertain significance (1 of 4 stars; one submission).

Submission:

GeneDx
Classification: Uncertain significance. Last evaluated: 2025-04-24. Review status: criteria provided, single submitter. Criteria: GeneDx Variant Classification Process June 2021. Collection method: clinical testing. Allele origin: germline. Affected: yes.
Comment: Not observed at significant frequency in large population cohorts (gnomAD); In silico analysis indicates that this missense variant does not alter protein structure/function; Has not been previously published as pathogenic or benign to our knowledge